The following is an entry in ClinVar:

ClinVar aggregate classification (germline): Benign. Review status: criteria provided, single submitter (1 of 4 stars). 2 submissions from 2 submitters: Benign (1). 1 of the submissions does not count toward it. Last evaluated 2015-03-03.

Conditions:
GDF9-related disorder. Also called: GDF9-related condition.

Allele frequency attached by ClinVar (database versions not stated): 1000 Genomes Project 30x 0.45034; 1000 Genomes Project 0.45587; TOPMed 0.48797; gnomAD 0.49460 and 0.49783; ESP Exome Variant Server 0.50531; gnomAD exomes 0.52317 and 0.56568; ExAC 0.52757.
gnomAD v4.1: 898,848 of 1,609,392 alleles (56%); highest among the groups gnomAD compares: South Asian, 63%; 255,682 homozygotes.

Submissions (2):

GeneDx
Classification: Benign. Last evaluated: 2015-03-03. Review status: criteria provided, single submitter. Criteria: GeneDx Variant Classification Process June 2021. Collection method: clinical testing. Allele origin: germline. Affected: yes.
Comment: This variant is associated with the following publications: (PMID: 16278619)

PreventionGenetics, part of Exact Sciences
Classification: Benign for GDF9-related condition. Last evaluated: 2019-07-24. Review status: no assertion criteria provided. Collection method: clinical testing. Allele origin: germline. Not counted in ClinVar's aggregate classification.
Comment: This variant is classified as benign based on ACMG/AMP sequence variant interpretation guidelines (Richards et al. 2015 PMID: 25741868, with internal and published modifications).

NM_005260.7(GDF9):c.447C>T (p.Thr149=)

Gene: GDF9 (growth differentiation factor 9; minus strand). Cytogenetic location: 5q31.1.
Variant type: single nucleotide variant.
Coding change: c.447C>T on transcript NM_005260.7 (MANE Select); coding-DNA position 447, C replaced by T.
Protein change: p.Thr149=; no amino-acid change (threonine 149 retained).
Molecular consequence: synonymous variant.
Genome position (GRCh38, 1-based): chr5:132,862,507, G>A on the plus strand (C>T on the coding strand, the complement: GDF9 is on the minus strand). VCF-style: chr5-132862507-G-A. GRCh37 (hg19) VCF-style: chr5-132198199-G-A.
Other names: c.183C>T, p.Thr61= (NM_001288824.4, NM_001288825.4, NM_001288826.3 and 2 more transcripts); c.447C>T (NM_005260.5).
Identifiers: ClinVar variation 1232502 (VCV001232502.5), dbSNP rs254286, ClinGen allele CA3408277.